The following is an entry in ClinVar:

ClinVar aggregate classification (germline): Likely benign. Review status: criteria provided, single submitter (1 of 4 stars). 2 submissions from 2 submitters: Likely benign (1). 1 of the submissions does not count toward it. Last evaluated 2024-10-23.

Conditions:
ABCA2-related disorder. Also called: ABCA2-related condition.

Allele frequency attached by ClinVar (database versions not stated): 1000 Genomes Project 0.00060; ESP Exome Variant Server 0.00075; 1000 Genomes Project 30x 0.00094.
gnomAD v4.1: 1,751 of 1,605,688 alleles (0.11%); highest among the groups gnomAD compares: Non-Finnish European, 0.14%; 5 homozygotes.

Submissions (3):

Blueprint Genetics
Classification: Likely benign. Last evaluated: 2024-10-23. Review status: criteria provided, single submitter. Criteria: ACMG Guidelines, 2015. Collection method: clinical testing. Allele origin: germline.

PreventionGenetics, part of Exact Sciences
Classification: Likely benign for ABCA2-related condition. Last evaluated: 2022-06-23. Review status: no assertion criteria provided. Collection method: clinical testing. Allele origin: germline. Not counted in ClinVar's aggregate classification.
Comment: This variant is classified as likely benign based on ACMG/AMP sequence variant interpretation guidelines (Richards et al. 2015 PMID: 25741868, with internal and published modifications).

Dr. Peter K. Rogan Lab, Western University
No classification provided (evidence only). Condition: Cholangiocarcinoma. Review status: no classification provided. Collection method: in vitro. Allele origin: not applicable. Functional consequence: retained intron. Not counted in ClinVar's aggregate classification.

NM_001606.5(ABCA2):c.4542C>T (p.Arg1514=)

Gene: ABCA2 (ATP binding cassette subfamily A member 2; minus strand). Cytogenetic location: 9q34.3.
Variant type: single nucleotide variant.
Coding change: c.4542C>T on transcript NM_001606.5 (MANE Select); coding-DNA position 4542, C replaced by T.
Protein change: p.Arg1514=; no amino-acid change (arginine 1514 retained).
Molecular consequence: synonymous variant.
Genome position (GRCh38, 1-based): chr9:137,013,469, G>A on the plus strand (C>T on the coding strand, the complement: ABCA2 is on the minus strand). VCF-style: chr9-137013469-G-A. GRCh37 (hg19) VCF-style: chr9-139907921-G-A.
Other names: NC_000009.11:g.139907921G>A; c.4539C>T, p.Arg1513= (NM_001411042.1); c.4632C>T, p.Arg1544= (NM_212533.3).
Identifiers: ClinVar variation 3044326 (VCV003044326.4), dbSNP rs201649376, ClinGen allele CA5354351.
Genomic context (GRCh38, chr9:137,013,469, plus strand): 5'-CCGCCCCTTCACTCGCCCCACCCACCAAGGCTGCCCCCGCTGGAGGCCTCACCGGTACTC[G>A]CGGCGCTCCTCGTTGGCGTAGGGGATGAAATTGCCACGGGGCTGGGTGTAGTTGTGGTAC-3'
Protein context (NP_001597.2, residues 1504-1524): NFIPYANEER[Arg1514=]EYRLRLSPDA